The following is an entry in ClinVar:

ClinVar aggregate classification (germline): Uncertain significance (1 of 4 stars; one submission).

Submission:

GeneDx
Classification: Uncertain significance. Last evaluated: 2019-12-04. Review status: criteria provided, single submitter. Criteria: GeneDx Variant Classification Process June 2021. Collection method: clinical testing. Allele origin: germline. Affected: yes.
Comment: Not observed in large population cohorts (Lek 2016); In silico analysis, which includes protein predictors and evolutionary conservation, supports a deleterious effect; Has not been previously published as pathogenic or benign to our knowledge

NM_002878.4(RAD51D):c.182T>C (p.Phe61Ser)

Genes: RAD51D (RAD51 paralog D; minus strand), RAD51L3-RFFL (RAD51L3-RFFL readthrough; minus strand). Cytogenetic location: 17q12.
Variant type: single nucleotide variant.
Coding change: c.182T>C on transcript NM_002878.4 (MANE Select); coding-DNA position 182, T replaced by C.
Protein change: p.Phe61Ser; replaces phenylalanine 61 with serine.
Molecular consequence: missense variant. On other transcripts: intron variant (2).
Genome position (GRCh38, 1-based): chr17:35,118,582, A>G on the plus strand (T>C on the coding strand, the complement: RAD51D is on the minus strand). VCF-style: chr17-35118582-A-G. GRCh37 (hg19) VCF-style: chr17-33445601-A-G.
Other names: c.144+529T>C (NM_133629.3, NM_001142571.2); short protein forms F61S.
Identifiers: ClinVar variation 1311049 (VCV001311049.2), dbSNP rs2142474499, ClinGen allele CA399091470.